The following is an entry in ClinVar:

NM_001042492.3(NF1):c.348A>T (p.Glu116Asp)

Gene: NF1 (neurofibromin 1; plus strand). Cytogenetic location: 17q11.2.
Variant type: single nucleotide variant.
Coding change: c.348A>T on transcript NM_001042492.3 (MANE Select); coding-DNA position 348, A replaced by T.
Protein change: p.Glu116Asp; replaces glutamic acid 116 with aspartic acid.
Molecular consequence: missense variant.
Genome position (GRCh38, 1-based): chr17:31,163,245, A>T. VCF-style: chr17-31163245-A-T. GRCh37 (hg19) VCF-style: chr17-29490263-A-T.
Other names: c.348A>T, p.Glu116Asp (NM_000267.4, NM_001128147.3); short protein forms E116D.
Identifiers: ClinVar variation 484117 (VCV000484117.16), dbSNP rs1231174547, ClinGen allele CA398981757.

ClinVar aggregate classification (germline): Conflicting classifications of pathogenicity. Review status: criteria provided, conflicting classifications (1 of 4 stars). 6 submissions from 6 submitters: Uncertain significance (5); Likely benign (1). Last evaluated 2025-05-05.

Conditions:
Cardiovascular phenotype. Identifiers: MedGen CN230736.
Hereditary cancer-predisposing syndrome. Also called: Hereditary neoplastic syndrome; Neoplastic Syndromes, Hereditary; Tumor predisposition; Hereditary Cancer Syndrome. Identifiers: Orphanet 140162, MedGen C0027672, MeSH D009386, MONDO:0015356.
NF1-related disorder. Also called: NF1-related condition. Identifiers: MedGen CN379171.
Juvenile myelomonocytic leukemia (JMML). Also called: LEUKEMIA, JUVENILE MYELOMONOCYTIC, SOMATIC. Identifiers: Orphanet 86834, MedGen C0349639, MONDO:0011908, OMIM 607785, HP:0012209.
Neurofibromatosis-Noonan syndrome (NFNS). Also called: NEUROFIBROMATOSIS WITH NOONAN PHENOTYPE. Identifiers: Orphanet 638, MedGen C2931482, MONDO:0011035, OMIM 601321. Disease mechanism: loss of function.
Neurofibromatosis, familial spinal (FSNF). Identifiers: Orphanet 636, MedGen C1834235, MONDO:0008078, OMIM 162210. Disease mechanism: loss of function.
Neurofibromatosis, type 1 (NF1). Also called: VON RECKLINGHAUSEN DISEASE; Peripheral type neurofibromatosis; NEUROFIBROMATOSIS, TYPE I, SOMATIC; Neurofibromatosis, type I. Identifiers: Orphanet 636, MedGen C0027831, MONDO:0018975, OMIM 162200. Disease mechanism: loss of function.
Café-au-lait macules with pulmonary stenosis (WTSN). Also called: PULMONIC STENOSIS WITH CAFE-AU-LAIT SPOTS. Identifiers: MedGen C0553586, MONDO:0008672, OMIM 193520.

Allele frequency attached by ClinVar (database versions not stated): TOPMed below 0.00001; gnomAD 0.00001.
gnomAD v4.1: 1 of 1,614,058 alleles (0.000062%); highest among the groups gnomAD compares: Admixed American, 0.0017%; no homozygotes.

Submissions (6):

Labcorp Genetics (formerly Invitae), Labcorp
Classification: Likely benign for Neurofibromatosis, type 1. Last evaluated: 2025-05-05. Review status: criteria provided, single submitter. Criteria: Invitae Variant Classification Sherloc (09022015). Collection method: clinical testing. Allele origin: germline.

GeneDx
Classification: Uncertain significance. Last evaluated: 2025-01-12. Review status: criteria provided, single submitter. Criteria: GeneDx Variant Classification Process June 2021. Collection method: clinical testing. Allele origin: germline. Affected: yes.
Comment: Not observed at significant frequency in large population cohorts (gnomAD); In silico analysis supports that this missense variant has a deleterious effect on protein structure/function; Has not been previously published as pathogenic or benign to our knowledge

PreventionGenetics, part of Exact Sciences
Classification: Uncertain significance for NF1-related condition. Last evaluated: 2023-09-14. Review status: criteria provided, single submitter. Criteria: ACMG Guidelines, 2015. Collection method: clinical testing. Allele origin: germline.
Comment: The NF1 c.348A>T variant is predicted to result in the amino acid substitution p.Glu116Asp. To our knowledge, this variant has not been reported in the literature or in a large population database, indicating this variant is rare. At this time, the clinical significance of this variant is uncertain due to the absence of conclusive functional and genetic evidence.

Genome-Nilou Lab
Classification: Uncertain significance for Neurofibromatosis, type 1. Last evaluated: 2022-03-15. Review status: criteria provided, single submitter. Criteria: ACMG Guidelines, 2015. Collection method: clinical testing. Allele origin: germline. Affected: no.

Fulgent Genetics
Classification: Uncertain significance for Neurofibromatosis, type 1; Neurofibromatosis, familial spinal; Café-au-lait macules with pulmonary stenosis; Neurofibromatosis-Noonan syndrome; Juvenile myelomonocytic leukemia. Last evaluated: 2021-12-14. Review status: criteria provided, single submitter. Criteria: ACMG Guidelines, 2015. Collection method: clinical testing. Allele origin: unknown.

Ambry Genetics
Classification: Uncertain significance for Cardiovascular phenotype; Hereditary cancer-predisposing syndrome. Last evaluated: 2021-08-12. Review status: criteria provided, single submitter. Criteria: Ambry Variant Classification Scheme 2023. Collection method: clinical testing. Allele origin: germline.
Comment: The p.E116D variant (also known as c.348A>T), located in coding exon 4 of the NF1 gene, results from an A to T substitution at nucleotide position 348. The glutamic acid at codon 116 is replaced by aspartic acid, an amino acid with highly similar properties. This amino acid position is highly conserved in available vertebrate species. In addition, the in silico prediction for this alteration is inconclusive. Since supporting evidence is limited at this time, the clinical significance of this alteration remains unclear.